The following is an entry in ClinVar:

NM_021930.6(RINT1):c.1722T>G (p.Asn574Lys)

Gene: RINT1 (RAD50 interactor 1; plus strand). Cytogenetic location: 7q22.3.
Variant type: single nucleotide variant.
Coding change: c.1722T>G on transcript NM_021930.6 (MANE Select); coding-DNA position 1722, T replaced by G.
Protein change: p.Asn574Lys; replaces asparagine 574 with lysine.
Molecular consequence: missense variant. On other transcripts: non-coding transcript variant (1).
Genome position (GRCh38, 1-based): chr7:105,563,783, T>G. VCF-style: chr7-105563783-T-G. GRCh37 (hg19) VCF-style: chr7-105204230-T-G.
Other names: c.1488T>G, p.Asn496Lys (NM_001346599.2); c.699T>G, p.Asn233Lys (NM_001346600.2, NM_001346603.2); c.798T>G, p.Asn266Lys (NM_001346601.2); short protein forms N233K, N266K, N496K, N574K.
Identifiers: ClinVar variation 2625522 (VCV002625522.3), dbSNP rs1586267243, ClinGen allele CA368813635.
Genomic context (GRCh38, chr7:105,563,783, plus strand): 5'-TTGCTTTCAGTTCTTTCTACAACTTCAACAGGCTGCACTGGAGGTGTTTGCAGAGAATAA[T>G]ACTCTGAGTAAATTGCAGCTAGGACAGCTAGCCTCTATGGAGAGCTCTGTCTTTGATGAC-3'
Protein context (NP_068749.3, residues 564-584): QAALEVFAEN[Asn574Lys]TLSKLQLGQL

ClinVar aggregate classification (germline): Uncertain significance (1 of 4 stars; one submission).

Submission:

Ambry Genetics
Classification: Uncertain significance. Last evaluated: 2025-09-20. Review status: criteria provided, single submitter. Criteria: Ambry Variant Classification Scheme 2023. Collection method: clinical testing. Allele origin: germline.
Comment: The p.N574K variant (also known as c.1722T>G), located in coding exon 12 of the RINT1 gene, results from a T to G substitution at nucleotide position 1722. The asparagine at codon 574 is replaced by lysine, an amino acid with similar properties. This amino acid position is conserved. In addition, this alteration is predicted to be tolerated by in silico analysis. Since supporting evidence is limited at this time, the clinical significance of this alteration remains unclear.